The following is an entry in ClinVar:

ClinVar aggregate classification (germline): Uncertain significance. Review status: criteria provided, multiple submitters, no conflicts (2 of 4 stars). 2 submissions from 2 submitters: Uncertain significance (2). Last evaluated 2022-03-08.

Conditions:
Arrhythmogenic right ventricular dysplasia 9 (ARVD9). Also called: ARRHYTHMOGENIC RIGHT VENTRICULAR DYSPLASIA, FAMILIAL, 9; Arrhythmogenic Right Ventricular Dysplasia/Cardiomyopathy 9. Identifiers: MedGen C1836906, MONDO:0012180, OMIM 609040.
Cardiomyopathy (CMYO). Also called: Cardiomyopathies. Identifiers: Orphanet 167848, MedGen C0878544, MONDO:0004994, HP:0001638. Inheritance: Various modes of inheritance.

Submissions (2):

Labcorp Genetics (formerly Invitae), Labcorp
Classification: Uncertain significance for Arrhythmogenic right ventricular dysplasia 9. Last evaluated: 2022-03-08. Review status: criteria provided, single submitter. Criteria: Invitae Variant Classification Sherloc (09022015). Collection method: clinical testing. Allele origin: germline.
Comment: In summary, the available evidence is currently insufficient to determine the role of this variant in disease. Therefore, it has been classified as a Variant of Uncertain Significance. Variants that disrupt the consensus splice site are a relatively common cause of aberrant splicing (PMID: 17576681, 9536098). Algorithms developed to predict the effect of sequence changes on RNA splicing suggest that this variant may create or strengthen a splice site. ClinVar contains an entry for this variant (Variation ID: 1172084). This variant has not been reported in the literature in individuals affected with PKP2-related conditions. This variant is not present in population databases (gnomAD no frequency). This sequence change affects codon 112 of the PKP2 mRNA. It is a 'silent' change, meaning that it does not change the encoded amino acid sequence of the PKP2 protein. This variant also falls at the last nucleotide of exon 2, which is part of the consensus splice site for this exon.

Color Diagnostics, LLC DBA Color Health
Classification: Uncertain significance for Cardiomyopathy. Last evaluated: 2020-10-19. Review status: criteria provided, single submitter. Criteria: ACMG Guidelines, 2015. Collection method: clinical testing. Allele origin: germline.
Comment: This synonymous variant does not change the amino acid sequence of the PKP2 protein. However, splice prediction tools suggest that this variant may disrupt RNA splicing. To our knowledge, functional studies have not been reported for this variant. This variant has not been reported in individuals affected with cardiovascular disorders in the literature. This variant has not been identified in the general population by the Genome Aggregation Database (gnomAD). The available evidence is insufficient to determine the role of this variant in disease conclusively. Therefore, this variant is classified as a Variant of Uncertain Significance.

Literature cited by the submitters: PubMed 17576681 (cited by Labcorp Genetics (formerly Invitae), Labcorp); PubMed 9536098 (cited by Labcorp Genetics (formerly Invitae), Labcorp).

NM_001005242.3(PKP2):c.336G>A (p.Lys112=)

Gene: PKP2 (plakophilin 2; minus strand). Cytogenetic location: 12p11.21.
Variant type: single nucleotide variant.
Coding change: c.336G>A on transcript NM_001005242.3 (MANE Select); coding-DNA position 336, G replaced by A.
Protein change: p.Lys112=; no amino-acid change (lysine 112 retained).
Molecular consequence: synonymous variant.
Genome position (GRCh38, 1-based): chr12:32,878,920, C>T on the plus strand (G>A on the coding strand, the complement: PKP2 is on the minus strand). VCF-style: chr12-32878920-C-T. GRCh37 (hg19) VCF-style: chr12-33031854-C-T.
Other names: c.336G>A, p.Lys112= (NM_004572.4).
Identifiers: ClinVar variation 1172084 (VCV001172084.7), dbSNP rs2137952432, ClinGen allele CA479174937.